The following is an entry in ClinVar:

NM_000535.7(PMS2):c.23+10G>C

Gene: PMS2 (PMS1 homolog 2, mismatch repair system component; minus strand). Cytogenetic location: 7p22.1.
Variant type: single nucleotide variant.
Coding change: c.23+10G>C on transcript NM_000535.7 (MANE Select); 10 bases into the intron after coding-DNA position 23, G replaced by C.
Molecular consequence: intron variant. On other transcripts: 5 prime UTR variant (2).
Genome position (GRCh38, 1-based): chr7:6,008,987, C>G on the plus strand (G>C on the coding strand, the complement: PMS2 is on the minus strand). VCF-style: chr7-6008987-C-G. GRCh37 (hg19) VCF-style: chr7-6048618-C-G.
Other names: p.?; c.-243+10G>C (NM_001322004.2, NM_001322010.2); c.-378+10G>C (NM_001322013.2, NM_001322003.2); c.-857+10G>C (NM_001322012.2); c.-457+10G>C (NM_001322015.2); c.-193+10G>C (NM_001322007.2); c.-862+10G>C (NM_001322011.2); c.23+10G>C (NM_001322006.2, NM_001322014.2); and 3 more.
Identifiers: ClinVar variation 132730 (VCV000132730.59), dbSNP rs192027828, ClinGen allele CA011217.

ClinVar aggregate classification (germline): Benign/Likely benign. Review status: criteria provided, multiple submitters, no conflicts (2 of 4 stars). 26 submissions from 26 submitters: Benign (11); Likely benign (7). 8 of the submissions do not count toward it. Last evaluated 2026-02-03.

Conditions:
Breast and/or ovarian cancer. Identifiers: MedGen CN221562.
Hereditary nonpolyposis colorectal neoplasms. Identifiers: MedGen C0009405, MeSH D003123.
Hereditary cancer-predisposing syndrome. Also called: Hereditary neoplastic syndrome; Tumor predisposition; Neoplastic Syndromes, Hereditary; Hereditary Cancer Syndrome. Identifiers: Orphanet 140162, MedGen C0027672, MeSH D009386, MONDO:0015356.
Lynch syndrome 4 (LYNCH4). Also called: Hereditary non-polyposis colorectal cancer, type 4; Colorectal cancer, hereditary nonpolyposis, type 4. Identifiers: Orphanet 144, MedGen C1838333, MONDO:0013699, OMIM 614337. Disease mechanism: loss of function.

Allele frequency attached by ClinVar (database versions not stated): 1000 Genomes Project 0.00100; 1000 Genomes Project 30x 0.00109; TOPMed 0.00175; gnomAD exomes 0.00180 and 0.00278; gnomAD 0.00181 and 0.00182; ExAC 0.00189; ESP Exome Variant Server 0.00238.
gnomAD v4.1: 4,324 of 1,612,634 alleles (0.27%); highest among the groups gnomAD compares: Non-Finnish European, 0.33%; 12 homozygotes.

Submissions (26):

Labcorp Genetics (formerly Invitae), Labcorp
Classification: Benign for Hereditary nonpolyposis colorectal neoplasms. Last evaluated: 2026-02-03. Review status: criteria provided, single submitter. Criteria: Invitae Variant Classification Sherloc (09022015). Collection method: clinical testing. Allele origin: germline.

ARUP Laboratories, Molecular Genetics and Genomics, ARUP Laboratories
Classification: Benign. Last evaluated: 2025-07-07. Review status: criteria provided, single submitter. Criteria: ARUP Molecular Germline Variant Investigation Process 2024. Collection method: clinical testing. Allele origin: germline.

Center for Genomic Medicine, Rigshospitalet, Copenhagen University Hospital
Classification: Likely benign. Last evaluated: 2025-03-04. Review status: criteria provided, single submitter. Criteria: ACMG Guidelines, 2015. Collection method: clinical testing. Allele origin: germline.

Mayo Clinic Laboratories, Mayo Clinic
Classification: Benign. Last evaluated: 2024-12-24. Review status: criteria provided, single submitter. Criteria: ACMG Guidelines, 2015. Collection method: clinical testing. Allele origin: germline. Observed: 9 variant alleles.
Comment: BA1, BP4, BP7

Blueprint Genetics
Classification: Likely benign. Last evaluated: 2024-11-27. Review status: criteria provided, single submitter. Criteria: ACMG Guidelines, 2015. Collection method: clinical testing. Allele origin: germline.

KCCC/NGS Laboratory, Kuwait Cancer Control Center
Classification: Benign for Lynch syndrome 4. Last evaluated: 2023-07-07. Review status: criteria provided, single submitter. Criteria: ACMG Guidelines, 2015. Collection method: clinical testing. Allele origin: germline. Affected: yes.

CHEO Genetics Diagnostic Laboratory, Children's Hospital of Eastern Ontario
Classification: Likely benign for Breast and/or ovarian cancer. Last evaluated: 2023-06-29. Review status: criteria provided, single submitter. Criteria: ACMG Guidelines, 2015. Collection method: clinical testing. Allele origin: germline.

Myriad Genetics, Inc.
Classification: Benign for Lynch syndrome 4. Last evaluated: 2023-04-21. Review status: criteria provided, single submitter. Criteria: Myriad Autosomal Dominant, Autosomal Recessive and X-Linked Classification Criteria (2023). Collection method: clinical testing. Allele origin: unknown.
Comment: This variant is considered benign. This variant is intronic and is not expected to impact mRNA splicing. This variant has been observed at a population frequency that is significantly greater than expected given the associated disease prevalence and penetrance.

Institute for Biomarker Research, Medical Diagnostic Laboratories, L.L.C.
Classification: Benign for Hereditary cancer-predisposing syndrome. Last evaluated: 2022-11-22. Review status: criteria provided, single submitter. Criteria: ACMG Guidelines, 2015. Collection method: clinical testing. Allele origin: germline.

Institute for Clinical Genetics, University Hospital TU Dresden, University Hospital TU Dresden
Classification: Likely benign. Last evaluated: 2021-11-03. Review status: criteria provided, single submitter. Criteria: ACMG Guidelines, 2015. Collection method: clinical testing. Allele origin: germline.

Genetic Services Laboratory, University of Chicago
Classification: Benign. Last evaluated: 2021-06-07. Review status: criteria provided, single submitter. Criteria: ACMG Guidelines, 2015. Collection method: clinical testing. Allele origin: germline. Affected: no.

Sema4
Classification: Likely benign for Hereditary cancer-predisposing syndrome. Last evaluated: 2021-01-18. Review status: criteria provided, single submitter. Criteria: Sema4 Curation Guidelines. Collection method: curation. Allele origin: germline.

Illumina Laboratory Services, Illumina
Classification: Benign for Lynch syndrome 4. Last evaluated: 2017-04-27. Review status: criteria provided, single submitter. Criteria: ICSL Variant Classification Criteria 13 December 2019. Collection method: clinical testing. Allele origin: germline.
Comment: This variant was observed as part of a predisposition screen in an ostensibly healthy population. A literature search was performed for the gene, cDNA change, and amino acid change (where applicable). Publications were found based on this search. The evidence from the literature, in combination with allele frequency data from public databases where available, was sufficient to rule this variant out of causing disease. Therefore, this variant is classified as benign.

PreventionGenetics, part of Exact Sciences
Classification: Benign. Last evaluated: 2017-02-24. Review status: criteria provided, single submitter. Criteria: ACMG Guidelines, 2015. Collection method: clinical testing. Allele origin: germline.

Genome Diagnostics Laboratory, University Medical Center Utrecht
Classification: Likely benign for Lynch syndrome 4. Last evaluated: 2016-02-05. Review status: criteria provided, single submitter. Criteria: ACGS Guidelines, 2013. Collection method: clinical testing. Allele origin: germline. Affected: yes. Study: VKGL Data-share Consensus.

Color Diagnostics, LLC DBA Color Health
Classification: Likely benign for Hereditary cancer-predisposing syndrome. Last evaluated: 2015-04-01. Review status: criteria provided, single submitter. Criteria: ACMG Guidelines, 2015. Collection method: clinical testing. Allele origin: germline.

Ambry Genetics
Classification: Benign for Hereditary cancer-predisposing syndrome. Last evaluated: 2014-11-18. Review status: criteria provided, single submitter. Criteria: Ambry Variant Classification Scheme 2023. Collection method: clinical testing. Allele origin: germline.

GeneDx
Classification: Benign. Last evaluated: 2013-12-17. Review status: criteria provided, single submitter. Criteria: GeneDx Variant Classification (06012015). Collection method: clinical testing. Allele origin: germline. Affected: yes.
Comment: This variant is considered likely benign or benign based on one or more of the following criteria: it is a conservative change, it occurs at a poorly conserved position in the protein, it is predicted to be benign by multiple in silico algorithms, and/or has population frequency not consistent with disease.

Counsyl
Classification: Likely benign for Lynch syndrome 4. Last evaluated: 2016-09-08. Review status: no assertion criteria provided. Collection method: clinical testing. Allele origin: unknown. Not counted in ClinVar's aggregate classification.

Genome Diagnostics Laboratory, Amsterdam University Medical Center
Classification: Likely benign for Lynch syndrome 4. Last evaluated: 2016-07-11. Review status: no assertion criteria provided. Criteria: ACGS Guidelines, 2013. Collection method: clinical testing. Allele origin: germline. Affected: yes. Study: VKGL Data-share Consensus. Not counted in ClinVar's aggregate classification.

Clinical Genetics Laboratory, Department of Pathology, Netherlands Cancer Institute
Classification: Likely benign. Review status: no assertion criteria provided. Collection method: clinical testing. Allele origin: germline. Affected: yes. Study: VKGL Data-share Consensus. Not counted in ClinVar's aggregate classification.

Clinical Genetics, Academic Medical Center
Classification: Benign. Review status: no assertion criteria provided. Collection method: clinical testing. Allele origin: germline. Affected: yes. Study: VKGL Data-share Consensus. Not counted in ClinVar's aggregate classification.

Department of Pathology and Laboratory Medicine, Sinai Health System
Classification: Benign. Review status: no assertion criteria provided. Collection method: clinical testing. Allele origin: unknown. Affected: yes. Observed: 1 variant allele. Study: The Canadian Open Genetics Repository (COGR). Not counted in ClinVar's aggregate classification.
Comment: The PMS2 c.23+10G>C variant was not identified in the literature nor was it identified in the following databases: COGR, Clinvitae, Cosmic, MutDB, Insight Colon Cancer Gene Variant Database, Zhejiang Colon Cancer Database, Mismatch Repair Genes Variant Database, or the Insight Hereditary Tumors Database. The variant was identified in dbSNP (ID: rs192027828) â€šÃ„ÃºWith other alleleâ€šÃ„Ã¹, ClinVar (classified benign by Invitae, GeneDx and Ambry Genetics; and likely benign by Counsyl and Genetic Services Laboratory (University of Chicago)), and in control databases in 496 (2 homozygous) of 276428 chromosomes at a frequency of 0.002 increasing the likelihood this could be a low frequency variant in certain populations (Genome Aggregation Consortium Feb 27, 2017). It was observed in the following populations: African in 16 of 23946 chromosomes (freq. 0.0007), other in 10 of 6460 chromosomes (freq. 0.002), Latino in 31 of 34414 chromosomes (freq. 0.0009), European Non-Finnish in 365 (2 homozygous) of 126042 chromosomes (freq. 0.003), Ashkenazi Jewish in 1 of 10138 chromosomes (freq:0.0001), European Finnish in 42 of 25794 chromosomes (freq:0.002) and South Asian in 31 of 30776 chromosomes (freq. 0.001); it was not seen in the East Asian population. The variant occurs outside of the splicing consensus sequence and in silico or computational prediction software programs (SpliceSiteFinder, MaxEntScan, NNSPLICE, GeneSplicer, HumanSpliceFinder) do not predict a difference in splicing. In summary, based on the above information this variant meets our laboratory's criteria to be classified as benign.

Diagnostic Laboratory, Department of Genetics, University Medical Center Groningen
Classification: Likely benign for Lynch syndrome 4. Review status: no assertion criteria provided. Collection method: clinical testing. Allele origin: germline. Affected: yes. Study: VKGL Data-share Consensus. Not counted in ClinVar's aggregate classification.

Joint Genome Diagnostic Labs from Nijmegen and Maastricht, Radboudumc and MUMC+
Classification: Likely benign. Review status: no assertion criteria provided. Collection method: clinical testing. Allele origin: germline. Affected: yes. Study: VKGL Data-share Consensus. Not counted in ClinVar's aggregate classification.

Laboratory of Diagnostic Genome Analysis, Leiden University Medical Center (LUMC)
Classification: Benign. Review status: no assertion criteria provided. Collection method: clinical testing. Allele origin: germline. Affected: yes. Study: VKGL Data-share Consensus. Not counted in ClinVar's aggregate classification.

Literature cited by the submitters: PubMed 20205264 (cited by Illumina Laboratory Services, Illumina and Counsyl).